The following is an entry in ClinVar:

ClinVar aggregate classification (germline): Uncertain significance (1 of 4 stars; one submission).

Submission:

Women's Health and Genetics/Laboratory Corporation of America, LabCorp
Classification: Uncertain significance. Last evaluated: 2024-08-07. Review status: criteria provided, single submitter. Criteria: LabCorp Variant Classification Summary - May 2015. Collection method: clinical testing. Allele origin: germline.
Comment: Variant summary: P2RY12 c.467C>T (p.Ser156Phe) results in a non-conservative amino acid change located in the GPCR, rhodopsin-like, 7TM domain (IPR017452) of the encoded protein sequence. Four of five in-silico tools predict a damaging effect of the variant on protein function. The variant was absent in 251028 control chromosomes. The available data on variant occurrences in the general population are insufficient to allow any conclusion about variant significance. To our knowledge, no occurrence of c.467C>T in individuals affected with Platelet-Type Bleeding Disorder 8 and no experimental evidence demonstrating its impact on protein function have been reported. No submitters have cited clinical-significance assessments for this variant to ClinVar. Based on the evidence outlined above, the variant was classified as uncertain significance.

NM_022788.5(P2RY12):c.467C>T (p.Ser156Phe)

Genes: MED12L (mediator complex subunit 12L; plus strand), P2RY12 (purinergic receptor P2Y12; minus strand). Cytogenetic location: 3q25.1.
Variant type: single nucleotide variant.
Coding change: c.467C>T on transcript NM_022788.5 (MANE Select); coding-DNA position 467, C replaced by T.
Protein change: p.Ser156Phe; replaces serine 156 with phenylalanine.
Molecular consequence: missense variant. On other transcripts: intron variant (2).
Genome position (GRCh38, 1-based): chr3:151,338,379, G>A on the plus strand (C>T on the coding strand, the complement: P2RY12 is on the minus strand). VCF-style: chr3-151338379-G-A. GRCh37 (hg19) VCF-style: chr3-151056167-G-A.
Other names: c.467C>T, p.Ser156Phe (NM_176876.3); c.2251-11680G>A (NM_001393769.1); c.2146-11680G>A (NM_053002.6); short protein forms S156F.
Identifiers: ClinVar variation 3366442 (VCV003366442.1).